The following is an entry in ClinVar:

NM_001177316.2(SLC34A3):c.671del (p.Leu224fs)

Gene: SLC34A3 (solute carrier family 34 member 3; plus strand). Cytogenetic location: 9q34.3.
Variant type: Deletion.
Coding change: c.671del on transcript NM_001177316.2 (MANE Select); coding-DNA position 671, one base deleted (T; older notation c.671delT).
Protein change: p.Leu224fs; shifts the reading frame from leucine 224.
Molecular consequence: frameshift variant.
Genome position (GRCh38, 1-based): chr9:137,233,319, T deleted. VCF-style (leftmost placement, unchanged base first): chr9-137233318-CT-C. GRCh37 (hg19) VCF-style: chr9-140127770-CT-C.
Other names: c.671del, p.Leu224fs (NM_001177317.2, NM_080877.3); short protein forms L224fs.
Identifiers: ClinVar variation 1073253 (VCV001073253.12), dbSNP rs755196320, ClinGen allele CA5364518.
Genomic context (GRCh38, chr9:137,233,318, plus strand): 5'-CTGGTCCTGCTGCCACTGGAGAGCGCCACGGCCCTGCTGGAGAGGCTAAGTGAGCTAGCC[CT>C]GGGTGCCGCCAGCCTGACACCCAGGGCGCAGGCGCCCGACATCCTCAAGGTGCTGACGAA-3'

ClinVar aggregate classification (germline): Pathogenic/Likely pathogenic. Review status: criteria provided, multiple submitters, no conflicts (2 of 4 stars). 3 submissions from 3 submitters: Pathogenic (2); Likely pathogenic (1). Last evaluated 2024-07-01.

Conditions:
Autosomal recessive hypophosphatemic bone disease (HHRH). Also called: Hypophosphatemic rickets with hypercalciuria; HYPERCALCIURIC RICKETS. Identifiers: Orphanet 157215, MedGen C1853271, MONDO:0009431, OMIM 241530.

Allele frequency attached by ClinVar (database versions not stated): gnomAD exomes 0.00001 and 0.00003; ExAC 0.00002; TOPMed 0.00002.

Submissions (3):

GeneDx
Classification: Likely pathogenic. Last evaluated: 2024-07-01. Review status: criteria provided, single submitter. Criteria: GeneDx Variant Classification Process June 2021. Collection method: clinical testing. Allele origin: germline. Affected: yes.
Comment: Frameshift variant predicted to result in protein truncation or nonsense mediated decay in a gene for which loss of function is a known mechanism of disease; This variant is associated with the following publications: (PMID: 32963591)

Fulgent Genetics
Classification: Pathogenic for Autosomal recessive hypophosphatemic bone disease. Last evaluated: 2024-02-07. Review status: criteria provided, single submitter. Criteria: ACMG Guidelines, 2015. Collection method: clinical testing. Allele origin: germline.

Labcorp Genetics (formerly Invitae), Labcorp
Classification: Pathogenic. Last evaluated: 2023-12-14. Review status: criteria provided, single submitter. Criteria: Invitae Variant Classification Sherloc (09022015). Collection method: clinical testing. Allele origin: germline.
Comment: This sequence change creates a premature translational stop signal (p.Leu224Argfs*6) in the SLC34A3 gene. It is expected to result in an absent or disrupted protein product. Loss-of-function variants in SLC34A3 are known to be pathogenic (PMID: 16358214, 16358215, 22159077). This variant is present in population databases (rs755196320, gnomAD 0.01%). This premature translational stop signal has been observed in individual(s) with hypophosphatemic rickets (PMID: 32963591). ClinVar contains an entry for this variant (Variation ID: 1073253). For these reasons, this variant has been classified as Pathogenic.

Literature cited by the submitters: PubMed 16358214 (cited by Labcorp Genetics (formerly Invitae), Labcorp); PubMed 16358215 (cited by Labcorp Genetics (formerly Invitae), Labcorp); PubMed 22159077 (cited by Labcorp Genetics (formerly Invitae), Labcorp); PubMed 32963591 (cited by Labcorp Genetics (formerly Invitae), Labcorp).